The following is an entry in ClinVar:

NM_004329.3(BMPR1A):c.1201A>G (p.Arg401Gly)

Gene: BMPR1A (bone morphogenetic protein receptor type 1A; plus strand). Cytogenetic location: 10q23.2.
Variant type: single nucleotide variant.
Coding change: c.1201A>G on transcript NM_004329.3 (MANE Select); coding-DNA position 1201, A replaced by G.
Protein change: p.Arg401Gly; replaces arginine 401 with glycine.
Molecular consequence: missense variant. On other transcripts: non-coding transcript variant (3).
Genome position (GRCh38, 1-based): chr10:86,921,554, A>G. VCF-style: chr10-86921554-A-G. GRCh37 (hg19) VCF-style: chr10-88681311-A-G.
Other names: c.1276A>G, p.Arg426Gly (NM_001406559.1); c.1249A>G, p.Arg417Gly (NM_001406560.1); c.1201A>G, p.Arg401Gly (NM_001406561.1, NM_001406562.1, NM_001406563.1 and 19 more transcripts); c.1117A>G, p.Arg373Gly (NM_001406588.1, NM_001406584.1, NM_001406585.1 and 2 more transcripts); c.859A>G, p.Arg287Gly (NM_001406589.1); c.1195A>G, p.Arg399Gly (NM_001406583.1); short protein forms R287G, R426G, R399G, R401G, R373G, R417G.
Identifiers: ClinVar variation 4214378 (VCV004214378.1).

ClinVar aggregate classification (germline): Uncertain significance (1 of 4 stars; one submission).

Conditions:
Hereditary cancer-predisposing syndrome. Also called: Neoplastic Syndromes, Hereditary; Tumor predisposition; Hereditary Cancer Syndrome; Hereditary neoplastic syndrome. Identifiers: Orphanet 140162, MedGen C0027672, MeSH D009386, MONDO:0015356.

Submission:

Ambry Genetics
Classification: Uncertain significance for Hereditary cancer-predisposing syndrome. Last evaluated: 2025-08-11. Review status: criteria provided, single submitter. Criteria: Ambry Variant Classification Scheme 2023. Collection method: clinical testing. Allele origin: germline.
Comment: The p.R401G variant (also known as c.1201A>G), located in coding exon 9 of the BMPR1A gene, results from an A to G substitution at nucleotide position 1201. The arginine at codon 401 is replaced by glycine, an amino acid with dissimilar properties. This amino acid position is conserved. In addition, this alteration is predicted to be deleterious by in silico analysis. Based on the available evidence, the clinical significance of this variant remains unclear.